The following is an entry in ClinVar:

NM_015015.3(KDM4B):c.3191G>A (p.Gly1064Asp)

Gene: KDM4B (lysine demethylase 4B; plus strand). Cytogenetic location: 19p13.3.
Variant type: single nucleotide variant.
Coding change: c.3191G>A on transcript NM_015015.3 (MANE Select); coding-DNA position 3191, G replaced by A.
Protein change: p.Gly1064Asp; replaces glycine 1064 with aspartic acid.
Molecular consequence: missense variant.
Genome position (GRCh38, 1-based): chr19:5,151,411, G>A. VCF-style: chr19-5151411-G-A. GRCh37 (hg19) VCF-style: chr19-5151422-G-A.
Other names: c.3293G>A, p.Gly1098Asp (NM_001411148.1); short protein forms G1064D, G1098D.
Identifiers: ClinVar variation 4983172 (VCV004983172.1).

ClinVar aggregate classification (germline): Uncertain significance (1 of 4 stars; one submission).

Conditions:
KDM4B-related disorder. Also called: KDM4B-related condition.

gnomAD v4.1: 4 of 1,578,700 alleles (0.00025%); highest among the groups gnomAD compares: South Asian, 0.0023%; no homozygotes.

Submission:

PreventionGenetics, part of Exact Sciences
Classification: Uncertain significance for KDM4B-related condition. Last evaluated: 2024-12-02. Review status: criteria provided, single submitter. Criteria: ACMG Guidelines, 2015. Collection method: clinical testing. Allele origin: germline.
Comment: The KDM4B c.3191G>A variant is predicted to result in the amino acid substitution p.Gly1064Asp. To our knowledge, this variant has not been reported in the literature. This variant is reported in 0.0040% of alleles in individuals of South Asian descent in gnomAD. At this time, the clinical significance of this variant is uncertain due to the absence of conclusive functional and genetic evidence.